The following is an entry in ClinVar:

ClinVar aggregate classification (germline): Conflicting classifications of pathogenicity. Review status: criteria provided, conflicting classifications (1 of 4 stars). 4 submissions from 4 submitters: Uncertain significance (3); Likely benign (1). Last evaluated 2024-08-21.

Conditions:
Inborn genetic diseases. Identifiers: MedGen C0950123, MeSH D030342.
Chédiak-Higashi syndrome (CHS). Also called: Chediak-Higashi Syndrome. Identifiers: Orphanet 167, MedGen C0007965, MONDO:0008963, OMIM 214500.

Allele frequency attached by ClinVar (database versions not stated): TOPMed 0.00002; gnomAD 0.00003; ExAC 0.00005; 1000 Genomes Project 30x 0.00016; 1000 Genomes Project 0.00020.
gnomAD v4.1: 61 of 1,613,674 alleles (0.0038%); highest among the groups gnomAD compares: Admixed American, 0.012%; no homozygotes.

Submissions (4):

Ambry Genetics
Classification: Likely benign for Inborn genetic diseases. Last evaluated: 2024-08-21. Review status: criteria provided, single submitter. Criteria: Ambry Variant Classification Scheme 2023. Collection method: clinical testing. Allele origin: germline.

Labcorp Genetics (formerly Invitae), Labcorp
Classification: Uncertain significance for Chédiak-Higashi syndrome. Last evaluated: 2022-06-17. Review status: criteria provided, single submitter. Criteria: Invitae Variant Classification Sherloc (09022015). Collection method: clinical testing. Allele origin: germline.
Comment: This sequence change replaces alanine, which is neutral and non-polar, with threonine, which is neutral and polar, at codon 1402 of the LYST protein (p.Ala1402Thr). This variant is present in population databases (rs199768620, gnomAD 0.01%). This variant has not been reported in the literature in individuals affected with LYST-related conditions. ClinVar contains an entry for this variant (Variation ID: 940287). Algorithms developed to predict the effect of missense changes on protein structure and function output the following: SIFT: "Tolerated"; PolyPhen-2: "Benign"; Align-GVGD: "Class C0". The threonine amino acid residue is found in multiple mammalian species, which suggests that this missense change does not adversely affect protein function. In summary, the available evidence is currently insufficient to determine the role of this variant in disease. Therefore, it has been classified as a Variant of Uncertain Significance.

Blueprint Genetics
Classification: Uncertain significance. Last evaluated: 2022-06-13. Review status: criteria provided, single submitter. Criteria: ACMG Guidelines, 2015. Collection method: clinical testing. Allele origin: germline.

Revvity Omics, Revvity
Classification: Uncertain significance for Chédiak-Higashi syndrome. Last evaluated: 2019-06-03. Review status: criteria provided, single submitter. Criteria: ACMG Guidelines, 2015. Collection method: clinical testing. Allele origin: germline.

NM_000081.4(LYST):c.4204G>A (p.Ala1402Thr)

Gene: LYST (lysosomal trafficking regulator; minus strand). Cytogenetic location: 1q42.3.
Variant type: single nucleotide variant.
Coding change: c.4204G>A on transcript NM_000081.4 (MANE Select); coding-DNA position 4204, G replaced by A.
Protein change: p.Ala1402Thr; replaces alanine 1402 with threonine.
Molecular consequence: missense variant.
Genome position (GRCh38, 1-based): chr1:235,792,038, C>T on the plus strand (G>A on the coding strand, the complement: LYST is on the minus strand). VCF-style: chr1-235792038-C-T. GRCh37 (hg19) VCF-style: chr1-235955338-C-T.
Other names: c.4204G>A, p.Ala1402Thr (NM_001301365.1); c.4204G>A (NM_000081.2); short protein forms A1402T.
Identifiers: ClinVar variation 940287 (VCV000940287.11), dbSNP rs199768620, ClinGen allele CA1466894.